The following is an entry in ClinVar:

ClinVar aggregate classification (germline): Uncertain significance. Review status: criteria provided, multiple submitters, no conflicts (2 of 4 stars). 2 submissions from 2 submitters: Uncertain significance (2). Last evaluated 2022-07-19.

Allele frequency attached by ClinVar (database versions not stated): gnomAD exomes 0.00001; TOPMed 0.00001.
gnomAD v4.1: 10 of 1,614,104 alleles (0.00062%); highest among the groups gnomAD compares: African/African-American, 0.0013%; no homozygotes.

Submissions (2):

GeneDx
Classification: Uncertain significance. Last evaluated: 2022-07-19. Review status: criteria provided, single submitter. Criteria: GeneDx Variant Classification Process June 2021. Collection method: clinical testing. Allele origin: germline. Affected: yes.
Comment: Not observed at significant frequency in large population cohorts (gnomAD); In silico analysis supports that this missense variant has a deleterious effect on protein structure/function; Has not been previously published as pathogenic or benign to our knowledge; Occurs in the triple helical domain at the Y position in the canonical Gly-X-Y repeat; although this variant may have an effect on normal protein folding and function, missense substitution at the Y position is not a common mechanism of disease (HGMD)

Blueprint Genetics
Classification: Uncertain significance. Last evaluated: 2019-11-29. Review status: criteria provided, single submitter. Criteria: ACMG Guidelines, 2015. Collection method: clinical testing. Allele origin: germline.

NM_001844.5(COL2A1):c.1310G>A (p.Arg437Gln)

Gene: COL2A1 (collagen type II alpha 1 chain; minus strand). Cytogenetic location: 12q13.11.
Variant type: single nucleotide variant.
Coding change: c.1310G>A on transcript NM_001844.5 (MANE Select); coding-DNA position 1310, G replaced by A.
Protein change: p.Arg437Gln; replaces arginine 437 with glutamine.
Molecular consequence: missense variant.
Genome position (GRCh38, 1-based): chr12:47,987,133, C>T on the plus strand (G>A on the coding strand, the complement: COL2A1 is on the minus strand). VCF-style: chr12-47987133-C-T. GRCh37 (hg19) VCF-style: chr12-48380916-C-T.
Other names: c.1103G>A, p.Arg368Gln (NM_033150.3); short protein forms R368Q, R437Q.
Identifiers: ClinVar variation 2136140 (VCV002136140.2), dbSNP rs991837088, ClinGen allele CA236527945.
Genomic context (GRCh38, chr12:47,987,133, plus strand): 5'-CTTACCGTCTGACCTTTCGGGCCCAGAGGACCAGTTGCACCTTGAGGGCCAGGAGGGCCC[C>T]GTGGCCCAGGGAAGCCAGGAGCACCAGCAATGCCAGGAGCACCCTGTGGGCATGAGAAGA-3'
Protein context (NP_001835.3, residues 427-447): IAGAPGFPGP[Arg437Gln]GPPGPQGATG